The following is an entry in ClinVar:

NM_000384.3(APOB):c.13366A>C (p.Thr4456Pro)

Gene: APOB (apolipoprotein B; minus strand). Cytogenetic location: 2p24.1.
Variant type: single nucleotide variant.
Coding change: c.13366A>C on transcript NM_000384.3 (MANE Select); coding-DNA position 13366, A replaced by C.
Protein change: p.Thr4456Pro; replaces threonine 4456 with proline.
Molecular consequence: missense variant.
Genome position (GRCh38, 1-based): chr2:21,002,056, T>G on the plus strand (A>C on the coding strand, the complement: APOB is on the minus strand). VCF-style: chr2-21002056-T-G. GRCh37 (hg19) VCF-style: chr2-21224928-T-G.
Other names: short protein forms T4456P.
Identifiers: ClinVar variation 5027866 (VCV005027866.1).

ClinVar aggregate classification (germline): Uncertain significance (1 of 4 stars; one submission).

Conditions:
Cardiovascular phenotype. Identifiers: MedGen CN230736.

Submission:

Ambry Genetics
Classification: Uncertain significance for Cardiovascular phenotype. Last evaluated: 2026-08-08. Review status: criteria provided, single submitter. Criteria: Ambry Variant Classification Scheme 2023. Collection method: clinical testing. Allele origin: germline.
Comment: The p.T4456P variant (also known as c.13366A>C), located in coding exon 29 of the APOB gene, results from an A to C substitution at nucleotide position 13366. The threonine at codon 4456 is replaced by proline, an amino acid with highly similar properties. This amino acid position is conserved. In addition, this alteration is predicted to be tolerated by in silico analysis. Based on the available evidence, the clinical significance of this variant remains unclear.